The following is an entry in ClinVar:

ClinVar aggregate classification (germline): Pathogenic (1 of 4 stars; one submission).

Conditions:
Mosaic variegated aneuploidy syndrome 1 (MVA1). Also called: Warburton-Anyane-Yeboa syndrome. Identifiers: Orphanet 1052, MedGen C1850343, MONDO:0009759, OMIM 257300.

Submission:

Labcorp Genetics (formerly Invitae), Labcorp
Classification: Pathogenic for Mosaic variegated aneuploidy syndrome 1. Last evaluated: 2023-09-21. Review status: criteria provided, single submitter. Criteria: Invitae Variant Classification Sherloc (09022015). Collection method: clinical testing. Allele origin: germline.
Comment: For these reasons, this variant has been classified as Pathogenic. This variant has not been reported in the literature in individuals affected with BUB1B-related conditions. This variant is not present in population databases (gnomAD no frequency). This sequence change creates a premature translational stop signal (p.Met300Cysfs*31) in the BUB1B gene. It is expected to result in an absent or disrupted protein product. Loss-of-function variants in BUB1B are known to be pathogenic (PMID: 15475955, 21190457).

Literature cited by the submitters: PubMed 15475955; PubMed 21190457.

NM_001211.6(BUB1B):c.897del (p.Met300fs)

Gene: BUB1B (BUB1 mitotic checkpoint serine/threonine kinase B; plus strand). Cytogenetic location: 15q15.1.
Variant type: Deletion.
Coding change: c.897del on transcript NM_001211.6 (MANE Select); coding-DNA position 897, one base deleted (C; older notation c.897delC).
Protein change: p.Met300fs; shifts the reading frame from methionine 300.
Molecular consequence: frameshift variant.
Genome position (GRCh38, 1-based): chr15:40,185,310, C deleted; the last of 6 consecutive C bases (chr15:40,185,305-40,185,310); deleting any one gives the same sequence. VCF-style (leftmost placement, unchanged base first): chr15-40185304-AC-A. GRCh37 (hg19) VCF-style: chr15-40477505-AC-A.
Other names: short protein forms M300fs.
Identifiers: ClinVar variation 2913819 (VCV002913819.3), dbSNP rs747327884, ClinGen allele CA617556308.
Genomic context (GRCh38, chr15:40,185,304, plus strand): 5'-AAATGCTGATGAGGCTTCTACAGCAGAGTTGTCTAAGCCTACAGTCCAGCCATGGATAGC[AC>A]CCCCCATGCCCAGGGCCAAAGAGAATGAGCTGCAAGCAGGCCCTTGGAACACAGGCAGGT-3'